The following is an entry in ClinVar:

ClinVar aggregate classification (germline): Uncertain significance (1 of 4 stars; one submission).

Conditions:
Nemaline myopathy 2 (NEM2). Also called: Nemaline myopathy 2, autosomal recessive. Identifiers: MedGen C1850569, MONDO:0009725, OMIM 256030.

gnomAD v4.1: 144 of 1,613,730 alleles (0.0089%); highest among the groups gnomAD compares: Non-Finnish European, 0.011%; no homozygotes.

Submission:

Labcorp Genetics (formerly Invitae), Labcorp
Classification: Uncertain significance for Nemaline myopathy 2. Last evaluated: 2025-08-19. Review status: criteria provided, single submitter. Criteria: Invitae Variant Classification Sherloc (09022015). Collection method: clinical testing. Allele origin: germline.
Comment: This sequence change replaces glycine, which is neutral and non-polar, with arginine, which is basic and polar, at codon 3157 of the NEB protein (p.Gly3157Arg). This variant is present in population databases (rs766567831, gnomAD 0.02%). This variant has not been reported in the literature in individuals affected with NEB-related conditions. Experimental studies and prediction algorithms are not available or were not evaluated, and the functional significance of this variant is currently unknown. Algorithms developed to predict the effect of sequence changes on RNA splicing suggest that this variant may create or strengthen a splice site. In summary, the available evidence is currently insufficient to determine the role of this variant in disease. Therefore, it has been classified as a Variant of Uncertain Significance.

NM_001164508.2(NEB):c.9469G>A (p.Gly3157Arg)

Gene: NEB (nebulin; minus strand). Cytogenetic location: 2q23.3.
Variant type: single nucleotide variant.
Coding change: c.9469G>A on transcript NM_001164508.2 (MANE Select); coding-DNA position 9469, G replaced by A.
Protein change: p.Gly3157Arg; replaces glycine 3157 with arginine.
Molecular consequence: missense variant. On other transcripts: intron variant (1).
Genome position (GRCh38, 1-based): chr2:151,631,292, C>T on the plus strand (G>A on the coding strand, the complement: NEB is on the minus strand). VCF-style: chr2-151631292-C-T. GRCh37 (hg19) VCF-style: chr2-152487806-C-T.
Other names: c.9469G>A, p.Gly3157Arg (NM_001164507.2, NM_001271208.2); c.8854-114G>A (NM_004543.5); short protein forms G3157R.
Identifiers: ClinVar variation 4711063 (VCV004711063.1).